The following is an entry in ClinVar:

ClinVar aggregate classification (germline): Conflicting classifications of pathogenicity. Review status: criteria provided, conflicting classifications (1 of 4 stars). 4 submissions from 4 submitters: Uncertain significance (1); Benign (1); Likely benign (2). Last evaluated 2026-01-19.

Conditions:
ADGRV1-related disorder. Also called: ADGRV1-related condition; ADGRV1-related disorders.

Allele frequency attached by ClinVar (database versions not stated): TOPMed below 0.00001; gnomAD 0.00001 and 0.00006; gnomAD exomes 0.00012 and 0.00023; 1000 Genomes Project 30x 0.00016; ExAC 0.00023.
gnomAD v4.1: 172 of 1,520,926 alleles (0.011%); highest among the groups gnomAD compares: South Asian, 0.19%; no homozygotes.

Submissions (4):

Labcorp Genetics (formerly Invitae), Labcorp
Classification: Likely benign. Last evaluated: 2026-01-19. Review status: criteria provided, single submitter. Criteria: Invitae Variant Classification Sherloc (09022015). Collection method: clinical testing. Allele origin: germline.

PreventionGenetics, part of Exact Sciences
Classification: Likely benign for ADGRV1-related condition. Last evaluated: 2025-10-24. Review status: criteria provided, single submitter. Criteria: ACMG Guidelines, 2015. Collection method: clinical testing. Allele origin: germline.
Comment: This variant is classified as likely benign based on ACMG/AMP sequence variant interpretation guidelines (Richards et al. 2015 PMID: 25741868, with internal and published modifications).

Blueprint Genetics
Classification: Benign. Last evaluated: 2023-03-29. Review status: criteria provided, single submitter. Criteria: ACMG Guidelines, 2015. Collection method: clinical testing. Allele origin: germline.

Eurofins Ntd Llc (ga)
Classification: Uncertain significance. Last evaluated: 2016-07-29. Review status: criteria provided, single submitter. Criteria: EGL Classification Definitions 2015. Collection method: clinical testing. Allele origin: germline. Observed: 1 variant allele, 1 heterozygote.

NM_032119.4(ADGRV1):c.17973+7A>G

Gene: ADGRV1 (adhesion G protein-coupled receptor V1; plus strand). Cytogenetic location: 5q14.3.
Variant type: single nucleotide variant.
Coding change: c.17973+7A>G on transcript NM_032119.4 (MANE Select); 7 bases into the intron after coding-DNA position 17973, A replaced by G.
Molecular consequence: intron variant.
Genome position (GRCh38, 1-based): chr5:90,965,538, A>G. VCF-style: chr5-90965538-A-G. GRCh37 (hg19) VCF-style: chr5-90261355-A-G.
Other names: c.17973+7A>G (NM_032119.3).
Identifiers: ClinVar variation 289605 (VCV000289605.16), dbSNP rs751094041, ClinGen allele CA3342512.
Genomic context (GRCh38, chr5:90,965,538, plus strand): 5'-GCTGCTGTCACACATTACCTGTATCTTTGCCAGTTTAGCTGGATGCTCATTCAGGTTGGT[A>G]CCTCATTCCCTCTCCCCGCCCCTTTAATCTTTTAATGAATCTGGGTGGAGTGGTCTTAAT-3'